The following is an entry in ClinVar:

NM_144997.7(FLCN):c.619-7A>G

Gene: FLCN (folliculin; minus strand). Cytogenetic location: 17p11.2.
Variant type: single nucleotide variant.
Coding change: c.619-7A>G on transcript NM_144997.7 (MANE Select); 7 bases into the intron before coding-DNA position 619, A replaced by G.
Molecular consequence: intron variant.
Genome position (GRCh38, 1-based): chr17:17,222,668, T>C on the plus strand (A>G on the coding strand, the complement: FLCN is on the minus strand). VCF-style: chr17-17222668-T-C. GRCh37 (hg19) VCF-style: chr17-17125982-T-C.
Other names: c.619-7A>G (NM_001353231.2, NM_001353230.2, NM_144606.7); c.673-7A>G (NM_001353229.2).
Identifiers: ClinVar variation 1625418 (VCV001625418.10), dbSNP rs2144952545, ClinGen allele CA2573153108.

ClinVar aggregate classification (germline): Likely benign. Review status: criteria provided, multiple submitters, no conflicts (2 of 4 stars). 3 submissions from 3 submitters: Likely benign (3). Last evaluated 2025-12-29.

Conditions:
Birt-Hogg-Dube syndrome. Also called: Birt Hogg Dubé syndrome. Identifiers: Orphanet 122, MedGen C0346010, MONDO:0800444.
Birt-Hogg-Dube syndrome 1 (BHD1). Also called: FIBROFOLLICULOMAS WITH TRICHODISCOMAS AND ACROCHORDONS. Identifiers: Orphanet 122, MedGen CN375946, MONDO:0800445, OMIM 135150.

Submissions (3):

Center for Genomic Medicine, Rigshospitalet, Copenhagen University Hospital
Classification: Likely benign. Last evaluated: 2025-12-29. Review status: criteria provided, single submitter. Criteria: ACMG Guidelines, 2015. Collection method: clinical testing. Allele origin: germline.
Comment: Classification criteria: BP7, BP4

Labcorp Genetics (formerly Invitae), Labcorp
Classification: Likely benign for Birt-Hogg-Dube syndrome. Last evaluated: 2025-02-27. Review status: criteria provided, single submitter. Criteria: Invitae Variant Classification Sherloc (09022015). Collection method: clinical testing. Allele origin: germline.

Myriad Genetics, Inc.
Classification: Likely benign for Birt-Hogg-Dube syndrome 1. Last evaluated: 2024-10-23. Review status: criteria provided, single submitter. Criteria: Myriad Autosomal Dominant, Autosomal Recessive and X-Linked Classification Criteria (2023). Collection method: clinical testing. Allele origin: unknown.
Comment: This variant is considered likely benign. This variant is intronic and is not expected to impact mRNA splicing.